The following is an entry in ClinVar:

NM_053025.4(MYLK):c.1968G>C (p.Trp656Cys)

Gene: MYLK (myosin light chain kinase; minus strand). Cytogenetic location: 3q21.1.
Variant type: single nucleotide variant.
Coding change: c.1968G>C on transcript NM_053025.4 (MANE Select); coding-DNA position 1968, G replaced by C.
Protein change: p.Trp656Cys; replaces tryptophan 656 with cysteine.
Molecular consequence: missense variant.
Genome position (GRCh38, 1-based): chr3:123,708,870, C>G on the plus strand (G>C on the coding strand, the complement: MYLK is on the minus strand). VCF-style: chr3-123708870-C-G. GRCh37 (hg19) VCF-style: chr3-123427717-C-G.
Other names: c.1440G>C, p.Trp480Cys (NM_001321309.2); c.1761G>C, p.Trp587Cys (NM_053026.4, NM_053028.4); c.1968G>C, p.Trp656Cys (NM_053027.4); short protein forms W480C, W587C, W656C.
Identifiers: ClinVar variation 1411192 (VCV001411192.9), dbSNP rs138172035, ClinGen allele CA82929836.

ClinVar aggregate classification (germline): Uncertain significance. Review status: criteria provided, multiple submitters, no conflicts (2 of 4 stars). 2 submissions from 2 submitters: Uncertain significance (2). Last evaluated 2024-08-22.

Conditions:
Aortic aneurysm, familial thoracic 7 (AAT7). Also called: AORTIC DISSECTION, FAMILIAL, WITH OR WITHOUT AORTIC ANEURYSM. Identifiers: MedGen C3151077, MONDO:0013418, OMIM 613780.
Megacystis-microcolon-intestinal hypoperistalsis syndrome 1. Identifiers: MedGen C5542316, MONDO:0100354, OMIM 249210.

gnomAD v4.1: 10 of 1,613,948 alleles (0.00062%); highest among the groups gnomAD compares: African/African-American, 0.011%; no homozygotes.

Submissions (2):

Labcorp Genetics (formerly Invitae), Labcorp
Classification: Uncertain significance for Aortic aneurysm, familial thoracic 7. Last evaluated: 2024-08-22. Review status: criteria provided, single submitter. Criteria: Invitae Variant Classification Sherloc (09022015). Collection method: clinical testing. Allele origin: germline.
Comment: This sequence change replaces tryptophan, which is neutral and slightly polar, with cysteine, which is neutral and slightly polar, at codon 656 of the MYLK protein (p.Trp656Cys). This variant is present in population databases (no rsID available, gnomAD 0.01%). This variant has not been reported in the literature in individuals affected with MYLK-related conditions. ClinVar contains an entry for this variant (Variation ID: 1411192). Invitae Evidence Modeling of protein sequence and biophysical properties (such as structural, functional, and spatial information, amino acid conservation, physicochemical variation, residue mobility, and thermodynamic stability) indicates that this missense variant is not expected to disrupt MYLK protein function with a negative predictive value of 80%. In summary, the available evidence is currently insufficient to determine the role of this variant in disease. Therefore, it has been classified as a Variant of Uncertain Significance.

Fulgent Genetics
Classification: Uncertain significance for Megacystis-microcolon-intestinal hypoperistalsis syndrome 1; Aortic aneurysm, familial thoracic 7. Last evaluated: 2021-12-07. Review status: criteria provided, single submitter. Criteria: ACMG Guidelines, 2015. Collection method: clinical testing. Allele origin: unknown.